The following is an entry in ClinVar:

NC_000014.8:g.(?_95577644)_(95599805_?)dup

Gene: DICER1 (dicer 1, ribonuclease III; minus strand). Cytogenetic location: 14q32.13.
Variant type: Duplication.
Identifiers: ClinVar variation 583671 (VCV000583671.4).

ClinVar aggregate classification (germline): Uncertain significance (1 of 4 stars; one submission).

Conditions:
DICER1-related tumor predisposition. Also called: DICER1 syndrome; DICER1-related pleuropulmonary blastoma cancer predisposition syndrome. Identifiers: Orphanet 284343, MedGen C3839822, MONDO:0100216.

Submission:

Labcorp Genetics (formerly Invitae), Labcorp
Classification: Uncertain significance for DICER1-related pleuropulmonary blastoma cancer predisposition syndrome. Last evaluated: 2019-11-01. Review status: criteria provided, single submitter. Criteria: Invitae Variant Classification Sherloc (09022015). Collection method: clinical testing. Allele origin: germline.
Comment: This variant results in a copy number gain of the genomic region encompassing exons 2-14 of the DICER1 gene. The 5' end of this event is unknown as it extends beyond the assayed region for this gene and therefore may encompass additional genes. The 3' boundary is likely confined to intron 14 of the DICER1 gene. As the precise location of this event is unknown, it may be in tandem or it may be located elsewhere in the genome. This variant has not been reported in the literature in individuals with DICER1-related disease. In summary, the available evidence is currently insufficient to determine the role of this variant in disease. Therefore, it has been classified as a Variant of Uncertain Significance.